The following is an entry in ClinVar:

ClinVar aggregate classification (germline): Uncertain significance. Review status: criteria provided, multiple submitters, no conflicts (2 of 4 stars). 3 submissions from 2 submitters: Uncertain significance (3). Last evaluated 2022-11-07.

Conditions:
Fanconi anemia complementation group D1. Also called: BRCA2-Related Fanconi Anemia. Identifiers: Orphanet 319462, MedGen C1838457, MONDO:0011584, OMIM 605724.
Breast-ovarian cancer, familial, susceptibility to, 2 (BROVCA2). Also called: BRCA2 Hereditary Breast and Ovarian Cancer. Identifiers: Orphanet 145, MedGen C2675520, MONDO:0012933, OMIM 612555. Disease mechanism: loss of function.
Hereditary cancer-predisposing syndrome. Also called: Tumor predisposition; Neoplastic Syndromes, Hereditary; Hereditary neoplastic syndrome; Hereditary Cancer Syndrome. Identifiers: Orphanet 140162, MedGen C0027672, MeSH D009386, MONDO:0015356.

Submissions (3):

Color Diagnostics, LLC DBA Color Health
Classification: Uncertain significance for Hereditary cancer-predisposing syndrome. Last evaluated: 2022-11-07. Review status: criteria provided, single submitter. Criteria: ACMG Guidelines, 2015. Collection method: clinical testing. Allele origin: germline.
Comment: This missense variant replaces lysine with glutamic acid at codon 3254 of the BRCA2 protein. Computational prediction suggests that this variant may not impact protein structure and function (internally defined REVEL score threshold <= 0.5, PMID: 27666373). To our knowledge, functional studies have not been reported for this variant. This variant has not been reported in individuals affected with BRCA2-related disorders in the literature. This variant has not been identified in the general population by the Genome Aggregation Database (gnomAD). The available evidence is insufficient to determine the role of this variant in disease conclusively. Therefore, this variant is classified as a Variant of Uncertain Significance.

Illumina Laboratory Services, Illumina
Classification: Uncertain significance for Fanconi anemia complementation group D1. Last evaluated: 2018-01-12. Review status: criteria provided, single submitter. Criteria: ICSL Variant Classification Criteria 13 December 2019. Collection method: clinical testing. Allele origin: germline.

Illumina Laboratory Services, Illumina
Classification: Uncertain significance for Breast-ovarian cancer, familial, susceptibility to, 2. Last evaluated: 2018-01-12. Review status: criteria provided, single submitter. Criteria: ICSL Variant Classification Criteria 13 December 2019. Collection method: clinical testing. Allele origin: germline.

NM_000059.4(BRCA2):c.9760A>G (p.Lys3254Glu)

Gene: BRCA2 (BRCA2 DNA repair associated; plus strand). Cytogenetic location: 13q13.1.
Variant type: single nucleotide variant.
Coding change: c.9760A>G on transcript NM_000059.4 (MANE Select); coding-DNA position 9760, A replaced by G.
Protein change: p.Lys3254Glu; replaces lysine 3254 with glutamic acid.
Molecular consequence: missense variant.
Genome position (GRCh38, 1-based): chr13:32,398,273, A>G. VCF-style: chr13-32398273-A-G. GRCh37 (hg19) VCF-style: chr13-32972410-A-G.
Other names: short protein forms K3254E.
Identifiers: ClinVar variation 881706 (VCV000881706.6), dbSNP rs2073050616, ClinGen allele CA387765743.